The following is an entry in ClinVar:

NM_018206.6(VPS35):c.171G>A (p.Met57Ile)

Gene: VPS35 (VPS35 retromer complex component; minus strand). Cytogenetic location: 16q11.2.
Variant type: single nucleotide variant.
Coding change: c.171G>A on transcript NM_018206.6 (MANE Select); coding-DNA position 171, G replaced by A.
Protein change: p.Met57Ile; replaces methionine 57 with isoleucine.
Molecular consequence: missense variant.
Genome position (GRCh38, 1-based): chr16:46,682,107, C>T on the plus strand (G>A on the coding strand, the complement: VPS35 is on the minus strand). VCF-style: chr16-46682107-C-T. GRCh37 (hg19) VCF-style: chr16-46716019-C-T.
Other names: short protein forms M57I.
Identifiers: ClinVar variation 487669 (VCV000487669.5), dbSNP rs183554824, ClinGen allele CA280221262.

ClinVar aggregate classification (germline): Conflicting classifications of pathogenicity. Review status: criteria provided, conflicting classifications (1 of 4 stars). 3 submissions from 3 submitters: Uncertain significance (1); Likely benign (1). 1 of the submissions does not count toward it. Last evaluated 2025-01-31.

Conditions:
Parkinson disease 17 (PARK17). Also called: VPS35-Related Parkinson Disease. Identifiers: Orphanet 411602, MedGen C3280133, MONDO:0013625, OMIM 614203.

Allele frequency attached by ClinVar (database versions not stated): gnomAD exomes 0.00001; TOPMed 0.00003; gnomAD 0.00001; ESP Exome Variant Server 0.00008.
gnomAD v4.1: 117 of 1,613,254 alleles (0.0073%); highest among the groups gnomAD compares: Non-Finnish European, 0.0097%; no homozygotes.

Submissions (3):

Labcorp Genetics (formerly Invitae), Labcorp
Classification: Uncertain significance for Parkinson disease 17. Last evaluated: 2025-01-31. Review status: criteria provided, single submitter. Criteria: Invitae Variant Classification Sherloc (09022015). Collection method: clinical testing. Allele origin: germline.
Comment: This sequence change replaces methionine, which is neutral and non-polar, with isoleucine, which is neutral and non-polar, at codon 57 of the VPS35 protein (p.Met57Ile). This variant is present in population databases (rs183554824, gnomAD 0.003%). This missense change has been observed in individual(s) with Parkinson disease (PMID: 21763483). ClinVar contains an entry for this variant (Variation ID: 487669). Invitae Evidence Modeling of protein sequence and biophysical properties (such as structural, functional, and spatial information, amino acid conservation, physicochemical variation, residue mobility, and thermodynamic stability) indicates that this missense variant is not expected to disrupt VPS35 protein function with a negative predictive value of 80%. In summary, the available evidence is currently insufficient to determine the role of this variant in disease. Therefore, it has been classified as a Variant of Uncertain Significance.

GeneDx
Classification: Likely benign. Last evaluated: 2020-03-11. Review status: criteria provided, single submitter. Criteria: GeneDx Variant Classification Process June 2021. Collection method: clinical testing. Allele origin: germline. Affected: yes.
Comment: See Variant Classification Assertion Criteria.

GeneReviews
No classification provided. Condition: Parkinson disease 17. Review status: no classification provided. Collection method: literature only. Allele origin: germline. Not counted in ClinVar's aggregate classification.

Literature cited by the submitters: PubMed 21763483 (cited by Labcorp Genetics (formerly Invitae), Labcorp); NCBI Bookshelf NBK447258 (cited by GeneReviews); PubMed 28796472 (cited by GeneReviews).